The following is an entry in ClinVar:

NM_016035.5(COQ4):c.608C>T (p.Pro203Leu)

Gene: COQ4 (coenzyme Q4; plus strand). Cytogenetic location: 9q34.11.
Variant type: single nucleotide variant.
Coding change: c.608C>T on transcript NM_016035.5 (MANE Select); coding-DNA position 608, C replaced by T.
Protein change: p.Pro203Leu; replaces proline 203 with leucine.
Molecular consequence: missense variant. On other transcripts: intron variant (1).
Genome position (GRCh38, 1-based): chr9:128,332,925, C>T. VCF-style: chr9-128332925-C-T. GRCh37 (hg19) VCF-style: chr9-131095204-C-T.
Other names: c.*3-549C>T (NM_001305942.2); short protein forms P203L.
Identifiers: ClinVar variation 1214674 (VCV001214674.6), dbSNP rs1282286776, ClinGen allele CA375023791.
Genomic context (GRCh38, chr9:128,332,925, plus strand): 5'-AATGGTTTGAGGCTGTCCAGACTGGCCTGCCCATGTGCATCCTGGGTGCATTCTTTGGAC[C>T]GATCCGACTTGGCGCTCAGTAAGTTTTCAAGTGGTAGCTGGGTCGGGGTTGAGGGTGGTA-3'
Protein context (NP_057119.3, residues 193-213): PMCILGAFFG[Pro203Leu]IRLGAQSLQV

ClinVar aggregate classification (germline): Uncertain significance. Review status: criteria provided, multiple submitters, no conflicts (2 of 4 stars). 2 submissions from 2 submitters: Uncertain significance (2). Last evaluated 2022-11-16.

Conditions:
Inborn genetic diseases. Identifiers: MedGen C0950123, MeSH D030342.

Allele frequency attached by ClinVar (database versions not stated): gnomAD 0.00001; gnomAD exomes 0.00001; TOPMed 0.00002.
gnomAD v4.1: 15 of 1,613,844 alleles (0.00093%); highest among the groups gnomAD compares: African/African-American, 0.0013%; no homozygotes.

Submissions (2):

Ambry Genetics
Classification: Uncertain significance for Inborn genetic diseases. Last evaluated: 2022-11-16. Review status: criteria provided, single submitter. Criteria: Ambry Variant Classification Scheme 2023. Collection method: clinical testing. Allele origin: germline.

GeneDx
Classification: Uncertain significance. Last evaluated: 2019-10-04. Review status: criteria provided, single submitter. Criteria: GeneDx Variant Classification Process June 2021. Collection method: clinical testing. Allele origin: germline. Affected: yes.
Comment: Not observed in large population cohorts (Lek et al., 2016); In silico analysis, which includes protein predictors and evolutionary conservation, supports a deleterious effect; Has not been previously published as pathogenic or benign to our knowledge